The following is an entry in ClinVar:

ClinVar aggregate classification (germline): Uncertain significance (1 of 4 stars; one submission).

Submission:

Labcorp Genetics (formerly Invitae), Labcorp
Classification: Uncertain significance. Last evaluated: 2025-06-20. Review status: criteria provided, single submitter. Criteria: Invitae Variant Classification Sherloc (09022015). Collection method: clinical testing. Allele origin: germline.
Comment: This sequence change replaces asparagine, which is neutral and polar, with lysine, which is basic and polar, at codon 627 of the ATP2A2 protein (p.Asn627Lys). This variant is not present in population databases (gnomAD no frequency). This variant has not been reported in the literature in individuals affected with ATP2A2-related conditions. Invitae Evidence Modeling of protein sequence and biophysical properties (such as structural, functional, and spatial information, amino acid conservation, physicochemical variation, residue mobility, and thermodynamic stability) indicates that this missense variant is expected to disrupt ATP2A2 protein function with a positive predictive value of 80%. In summary, the available evidence is currently insufficient to determine the role of this variant in disease. Therefore, it has been classified as a Variant of Uncertain Significance.

NM_170665.4(ATP2A2):c.1881C>A (p.Asn627Lys)

Genes: ATP2A2 (ATPase sarcoplasmic/endoplasmic reticulum Ca2+ transporting 2; plus strand), LOC126861637 (MED14-independent group 3 enhancer GRCh37_chr12:110778306-110779505; plus strand). Cytogenetic location: 12q24.11.
Variant type: single nucleotide variant.
Coding change: c.1881C>A on transcript NM_170665.4 (MANE Select); coding-DNA position 1881, C replaced by A.
Protein change: p.Asn627Lys; replaces asparagine 627 with lysine.
Molecular consequence: missense variant.
Genome position (GRCh38, 1-based): chr12:110,340,778, C>A. VCF-style: chr12-110340778-C-A. GRCh37 (hg19) VCF-style: chr12-110778583-C-A.
Other names: c.1776C>A, p.Asn592Lys (NM_001413013.1); c.1881C>A, p.Asn627Lys (NM_001413014.1, NM_001681.4); c.1506C>A, p.Asn502Lys (NM_001413015.1); short protein forms N502K, N592K, N627K.
Identifiers: ClinVar variation 4743687 (VCV004743687.1).